The following is an entry in ClinVar:

ClinVar aggregate classification (germline): Benign (1 of 4 stars; one submission).

Allele frequency attached by ClinVar (database versions not stated): gnomAD 0.63315 and 0.62694; 1000 Genomes Project 30x 0.63991; TOPMed 0.62234; 1000 Genomes Project 0.64696.
gnomAD v4.1: 96,301 of 152,034 alleles (63%); highest among the groups gnomAD compares: East Asian, 87%; 31,333 homozygotes.

Submission:

GeneDx
Classification: Benign. Last evaluated: 2018-06-14. Review status: criteria provided, single submitter. Criteria: GeneDx Variant Classification (06012015). Collection method: clinical testing. Allele origin: germline. Affected: yes.
Comment: This variant is considered likely benign or benign based on one or more of the following criteria: it is a conservative change, it occurs at a poorly conserved position in the protein, it is predicted to be benign by multiple in silico algorithms, and/or has population frequency not consistent with disease.

NM_018979.4(WNK1):c.1312-230A>G

Gene: WNK1 (WNK lysine deficient protein kinase 1; plus strand). Cytogenetic location: 12p13.33.
Variant type: single nucleotide variant.
Coding change: c.1312-230A>G on transcript NM_018979.4 (MANE Select); 230 bases into the intron before coding-DNA position 1312, A replaced by G.
Molecular consequence: intron variant.
Genome position (GRCh38, 1-based): chr12:856,931, A>G. VCF-style: chr12-856931-A-G. GRCh37 (hg19) VCF-style: chr12-966097-A-G.
Other names: c.1312-230A>G (NM_213655.5, NM_001184985.2, NM_014823.3).
Identifiers: ClinVar variation 670303 (VCV000670303.1), dbSNP rs2240282, ClinGen allele CA15738604.